The following is an entry in ClinVar:

ClinVar aggregate classification (germline): Uncertain significance. Review status: criteria provided, multiple submitters, no conflicts (2 of 4 stars). 2 submissions from 2 submitters: Uncertain significance (2). Last evaluated 2024-07-11.

Conditions:
Hereditary nonpolyposis colorectal neoplasms. Identifiers: MedGen C0009405, MeSH D003123.
Hereditary cancer-predisposing syndrome. Also called: Hereditary neoplastic syndrome; Tumor predisposition; Neoplastic Syndromes, Hereditary; Hereditary Cancer Syndrome. Identifiers: Orphanet 140162, MedGen C0027672, MeSH D009386, MONDO:0015356.

Submissions (2):

Ambry Genetics
Classification: Uncertain significance for Hereditary cancer-predisposing syndrome. Last evaluated: 2024-07-11. Review status: criteria provided, single submitter. Criteria: Ambry Variant Classification Scheme 2023. Collection method: clinical testing. Allele origin: germline.
Comment: The p.I325M variant (also known as c.975T>G), located in coding exon 9 of the PMS2 gene, results from a T to G substitution at nucleotide position 975. The isoleucine at codon 325 is replaced by methionine, an amino acid with highly similar properties. This amino acid position is well conserved in available vertebrate species. In addition, the in silico prediction for this alteration is inconclusive. Based on the available evidence, the clinical significance of this variant remains unclear.

Labcorp Genetics (formerly Invitae), Labcorp
Classification: Uncertain significance for Hereditary nonpolyposis colorectal neoplasms. Last evaluated: 2018-11-16. Review status: criteria provided, single submitter. Criteria: Invitae Variant Classification Sherloc (09022015). Collection method: clinical testing. Allele origin: germline.
Comment: In summary, the available evidence is currently insufficient to determine the role of this variant in disease. Therefore, it has been classified as a Variant of Uncertain Significance. Algorithms developed to predict the effect of missense changes on protein structure and function are either unavailable or do not agree on the potential impact of this missense change (SIFT: "Deleterious"; PolyPhen-2: "Probably Damaging"; Align-GVGD: "Class C0"). This variant has not been reported in the literature in individuals with PMS2-related disease. This variant is not present in population databases (ExAC no frequency). This sequence change replaces isoleucine with methionine at codon 325 of the PMS2 protein (p.Ile325Met). The isoleucine residue is highly conserved and there is a small physicochemical difference between isoleucine and methionine.

NM_000535.7(PMS2):c.975T>G (p.Ile325Met)

Gene: PMS2 (PMS1 homolog 2, mismatch repair system component; minus strand). Cytogenetic location: 7p22.1.
Variant type: single nucleotide variant.
Coding change: c.975T>G on transcript NM_000535.7 (MANE Select); coding-DNA position 975, T replaced by G.
Protein change: p.Ile325Met; replaces isoleucine 325 with methionine.
Molecular consequence: missense variant. On other transcripts: non-coding transcript variant (1).
Genome position (GRCh38, 1-based): chr7:5,991,986, A>C on the plus strand (T>G on the coding strand, the complement: PMS2 is on the minus strand). VCF-style: chr7-5991986-A-C. GRCh37 (hg19) VCF-style: chr7-6031617-A-C.
Other names: c.570T>G, p.Ile190Met (NM_001322003.2, NM_001322004.2, NM_001322005.2 and 2 more transcripts); c.975T>G, p.Ile325Met (NM_001322006.2, NM_001322014.2); c.657T>G, p.Ile219Met (NM_001322007.2, NM_001322008.2); c.42T>G, p.Ile14Met (NM_001322011.2, NM_001322012.2); c.402T>G, p.Ile134Met (NM_001322013.2); c.666T>G, p.Ile222Met (NM_001322015.2); short protein forms I190M, I219M, I222M, I134M, I14M, I325M.
Identifiers: ClinVar variation 655417 (VCV000655417.12), dbSNP rs1583344828, ClinGen allele CA366743082.